The following is an entry in ClinVar:

NM_198390.3(CMIP):c.2043C>T (p.His681=)

Gene: CMIP (c-Maf inducing protein; plus strand). Cytogenetic location: 16q23.3.
Variant type: single nucleotide variant.
Coding change: c.2043C>T on transcript NM_198390.3 (MANE Select); coding-DNA position 2043, C replaced by T.
Protein change: p.His681=; no amino-acid change (histidine 681 retained).
Molecular consequence: synonymous variant.
Genome position (GRCh38, 1-based): chr16:81,704,037, C>T. VCF-style: chr16-81704037-C-T. GRCh37 (hg19) VCF-style: chr16-81737642-C-T.
Other names: c.1761C>T, p.His587= (NM_030629.3).
Identifiers: ClinVar variation 3037477 (VCV003037477.2), dbSNP rs377241916, ClinGen allele CA8192823.

ClinVar aggregate classification (germline): Likely benign (0 of 4 stars; one submission).

Conditions:
CMIP-related disorder. Also called: CMIP-related condition.

Allele frequency attached by ClinVar (database versions not stated): ExAC 0.00006; TOPMed 0.00007; gnomAD 0.00009; gnomAD exomes 0.00016; ESP Exome Variant Server 0.00023.
gnomAD v4.1: 268 of 1,606,068 alleles (0.017%); highest among the groups gnomAD compares: Non-Finnish European, 0.02%; 1 homozygote.

Submission:

PreventionGenetics, part of Exact Sciences
Classification: Likely benign for CMIP-related condition. Last evaluated: 2019-05-01. Review status: no assertion criteria provided. Collection method: clinical testing. Allele origin: germline.
Comment: This variant is classified as likely benign based on ACMG/AMP sequence variant interpretation guidelines (Richards et al. 2015 PMID: 25741868, with internal and published modifications).